The following is an entry in ClinVar:

NM_004320.6(ATP2A1):c.1810C>T (p.Arg604Cys)

Gene: ATP2A1 (ATPase sarcoplasmic/endoplasmic reticulum Ca2+ transporting 1; plus strand). Cytogenetic location: 16p11.2.
Variant type: single nucleotide variant.
Coding change: c.1810C>T on transcript NM_004320.6 (MANE Select); coding-DNA position 1810, C replaced by T.
Protein change: p.Arg604Cys; replaces arginine 604 with cysteine.
Molecular consequence: missense variant.
Genome position (GRCh38, 1-based): chr16:28,900,626, C>T. VCF-style: chr16-28900626-C-T. GRCh37 (hg19) VCF-style: chr16-28911947-C-T.
Other names: c.1435C>T, p.Arg479Cys (NM_001286075.2); c.1810C>T, p.Arg604Cys (NM_173201.5); c.1810C>T (NM_173201.4); short protein forms R479C, R604C.
Identifiers: ClinVar variation 652409 (VCV000652409.13), dbSNP rs765984663, ClinGen allele CA279240136.

ClinVar aggregate classification (germline): Uncertain significance. Review status: criteria provided, multiple submitters, no conflicts (2 of 4 stars). 2 submissions from 2 submitters: Uncertain significance (2). Last evaluated 2024-10-03.

Conditions:
Brody myopathy. Also called: BRODY DISEASE. Identifiers: Orphanet 53347, MedGen C1832918, MONDO:0010977, OMIM 601003.

gnomAD v4.1: 17 of 1,594,260 alleles (0.0011%); highest among the groups gnomAD compares: Non-Finnish European, 0.0012%; no homozygotes.

Submissions (2):

Labcorp Genetics (formerly Invitae), Labcorp
Classification: Uncertain significance for Brody myopathy. Last evaluated: 2024-10-03. Review status: criteria provided, single submitter. Criteria: Invitae Variant Classification Sherloc (09022015). Collection method: clinical testing. Allele origin: germline.
Comment: This sequence change replaces arginine, which is basic and polar, with cysteine, which is neutral and slightly polar, at codon 604 of the ATP2A1 protein (p.Arg604Cys). This variant is not present in population databases (gnomAD no frequency). This variant has not been reported in the literature in individuals affected with ATP2A1-related conditions. ClinVar contains an entry for this variant (Variation ID: 652409). An algorithm developed to predict the effect of missense changes on protein structure and function (PolyPhen-2) suggests that this variant is likely to be disruptive. In summary, the available evidence is currently insufficient to determine the role of this variant in disease. Therefore, it has been classified as a Variant of Uncertain Significance.

Revvity Omics, Revvity
Classification: Uncertain significance for Brody myopathy. Last evaluated: 2022-06-08. Review status: criteria provided, single submitter. Criteria: ACMG Guidelines, 2015. Collection method: clinical testing. Allele origin: germline.